The following is an entry in ClinVar:

ClinVar aggregate classification (germline): Uncertain significance (1 of 4 stars; one submission).

Submission:

GeneDx
Classification: Uncertain significance. Last evaluated: 2019-07-15. Review status: criteria provided, single submitter. Criteria: GeneDx Variant Classification Process June 2021. Collection method: clinical testing. Allele origin: germline. Affected: yes.
Comment: Not observed in large population cohorts (Lek et al., 2016); In silico analysis, which includes protein predictors and evolutionary conservation, supports a deleterious effect; Has not been previously published as pathogenic or benign to our knowledge

NM_005450.6(NOG):c.500G>A (p.Arg167His)

Gene: NOG (noggin; plus strand). Cytogenetic location: 17q22.
Variant type: single nucleotide variant.
Coding change: c.500G>A on transcript NM_005450.6 (MANE Select); coding-DNA position 500, G replaced by A.
Protein change: p.Arg167His; replaces arginine 167 with histidine.
Molecular consequence: missense variant.
Genome position (GRCh38, 1-based): chr17:56,594,723, G>A. VCF-style: chr17-56594723-G-A. GRCh37 (hg19) VCF-style: chr17-54672084-G-A.
Other names: short protein forms R167H.
Identifiers: ClinVar variation 1307057 (VCV001307057.2), dbSNP rs1281500199, ClinGen allele CA399966409.